The following is an entry in ClinVar:

NM_201589.4(MAFA):c.582_602del (p.Ala197_His203del)

Gene: MAFA (MAF bZIP transcription factor A; minus strand). Cytogenetic location: 8q24.3.
Variant type: Deletion.
Coding change: c.582_602del on transcript NM_201589.4 (MANE Select); coding-DNA positions 582 to 602, 21 bases deleted (TCACCACGCCGCCCACCACCA).
Protein change: p.Ala197_His203del.
Molecular consequence: inframe deletion.
Genome position (GRCh38, 1-based): chr8:143,429,805-143,429,825, TGGTGGTGGGCGGCGTGGTGA deleted on the plus strand (TCACCACGCCGCCCACCACCA on the coding strand, the reverse complement: MAFA is on the minus strand); deleting any 21 consecutive bases within chr8:143,429,805-143,429,831 gives the same sequence; the c. name uses the placement nearest the transcript's 3' end. VCF-style (leftmost placement, unchanged base first): chr8-143429804-GTGGTGGTGGGCGGCGTGGTGA-G. GRCh37 (hg19) VCF-style: chr8-144511974-GTGGTGGTGGGCGGCGTGGTGA-G.
Identifiers: ClinVar variation 3352840 (VCV003352840.2).

ClinVar aggregate classification (germline): Uncertain significance (1 of 4 stars; one submission).

Conditions:
MAFA-related disorder. Also called: MAFA-related condition.

Submission:

PreventionGenetics, part of Exact Sciences
Classification: Uncertain significance for MAFA-related condition. Last evaluated: 2026-03-20. Review status: criteria provided, single submitter. Criteria: ACMG Guidelines, 2015. Collection method: clinical testing. Allele origin: germline.
Comment: The MAFA c.582_602del21 variant is predicted to result in an in-frame deletion (p.Ala197_His203del). To our knowledge, this variant has not been reported in the literature. This variant is reported in 0.041% of alleles in individuals of South Asian descent in gnomAD. Although we suspect that this variant may be benign, at this time, the clinical significance of this variant is uncertain due to the absence of conclusive functional and genetic evidence.